The following is an entry in ClinVar:

NM_006767.4(LZTR1):c.319A>G (p.Arg107Gly)

Gene: LZTR1 (leucine zipper like post translational regulator 1; plus strand). Cytogenetic location: 22q11.21.
Variant type: single nucleotide variant.
Coding change: c.319A>G on transcript NM_006767.4 (MANE Select); coding-DNA position 319, A replaced by G.
Protein change: p.Arg107Gly; replaces arginine 107 with glycine.
Molecular consequence: missense variant.
Genome position (GRCh38, 1-based): chr22:20,985,896, A>G. VCF-style: chr22-20985896-A-G. GRCh37 (hg19) VCF-style: chr22-21340185-A-G.
Other names: short protein forms R107G.
Identifiers: ClinVar variation 450299 (VCV000450299.4), dbSNP rs1555927330, ClinGen allele CA410778910.

ClinVar aggregate classification (germline): Uncertain significance. Review status: criteria provided, multiple submitters, no conflicts (2 of 4 stars). 3 submissions from 3 submitters: Uncertain significance (3). Last evaluated 2023-07-28.

Conditions:
LZTR1-related disorder. Also called: LZTR1-related disorders; LZTR1-related condition.
Hereditary cancer-predisposing syndrome. Also called: Neoplastic Syndromes, Hereditary; Hereditary neoplastic syndrome; Hereditary Cancer Syndrome; Tumor predisposition. Identifiers: Orphanet 140162, MedGen C0027672, MeSH D009386, MONDO:0015356.
Cardiovascular phenotype. Identifiers: MedGen CN230736.

Submissions (3):

PreventionGenetics, part of Exact Sciences
Classification: Uncertain significance for LZTR1-related condition. Last evaluated: 2023-07-28. Review status: criteria provided, single submitter. Criteria: ACMG Guidelines, 2015. Collection method: clinical testing. Allele origin: germline.
Comment: The LZTR1 c.319A>G variant is predicted to result in the amino acid substitution p.Arg107Gly. To our knowledge, this variant has not been reported in the literature or in a large population database, indicating this variant is rare. This variant is at the end of an exon, and predicted to diminish the strength of the canonical splice site, according to available splicing in silico programs (Alamut Visual v1.6.1). Although we suspect that this variant may be pathogenic, at this time, the clinical significance of this variant is uncertain due to the absence of conclusive functional and genetic evidence.

Ambry Genetics
Classification: Uncertain significance for Cardiovascular phenotype; Hereditary cancer-predisposing syndrome. Last evaluated: 2023-03-31. Review status: criteria provided, single submitter. Criteria: Ambry Variant Classification Scheme 2023. Collection method: clinical testing. Allele origin: germline.
Comment: The c.319A>G variant (also known as p.R107G), located in coding exon 3 of the LZTR1 gene, results from an A to G substitution at nucleotide position 319. The arginine at codon 107 is replaced by glycine, an amino acid with dissimilar properties. This nucleotide position is well conserved in available vertebrate species. In silico splice site analysis predicts that this alteration may weaken the native splice donor site and may result in the creation or strengthening of a novel splice donor site; however, direct evidence is insufficient at this time (Ambry internal data). Since supporting evidence is limited at this time, the clinical significance of this alteration remains unclear.

GeneDx
Classification: Uncertain significance. Last evaluated: 2017-06-30. Review status: criteria provided, single submitter. Criteria: GeneDx Variant Classification (06012015). Collection method: clinical testing. Allele origin: germline. Affected: yes.
Comment: The R107G variant has not been published as a pathogenic variant, nor has it been reported as a benign variant to our knowledge. The R107G variant is not observed in large population cohorts (Lek et al., 2016; 1000 Genomes Consortium et al., 2015; Exome Variant Server). The R107G variant is a non-conservative amino acid substitution, which is likely to impact secondary protein structure as these residues differ in polarity, charge, size and/or other properties. Several in-silico splice prediction models predict that R107G damages the natural splice donor site for exon 3 and may lead to abnormal gene splicing. However, in the absence of RNA/functional studies, the actual effect of this sequence change is unknown. In summary, based on the currently available information, it is unclear whether this variant is a pathogenic variant or a rare benign variant